The following is an entry in ClinVar:

NM_004446.3(EPRS1):c.3008G>A (p.Gly1003Glu)

Gene: EPRS1 (glutamyl-prolyl-tRNA synthetase 1; minus strand). Cytogenetic location: 1q41.
Variant type: single nucleotide variant.
Coding change: c.3008G>A on transcript NM_004446.3 (MANE Select); coding-DNA position 3008, G replaced by A.
Protein change: p.Gly1003Glu; replaces glycine 1003 with glutamic acid.
Molecular consequence: missense variant.
Genome position (GRCh38, 1-based): chr1:219,987,172, C>T on the plus strand (G>A on the coding strand, the complement: EPRS1 is on the minus strand). VCF-style: chr1-219987172-C-T. GRCh37 (hg19) VCF-style: chr1-220160514-C-T.
Other names: short protein forms G1003E.
Identifiers: ClinVar variation 3037112 (VCV003037112.3), dbSNP rs78638972, ClinGen allele CA1399837.
Genomic context (GRCh38, chr1:219,987,172, plus strand): 5'-GCTTCAAATGAAGTTTCTGCGATTCATTACCTGGTCTGTTTCTTAGGCCCCTGCCCTTCT[C>T]CTGCTCCACTTGATGAGAGCCCACCTCCTTGGTTTTTAGAAGGGTCTTTCCTTTGGCCAT-3'
Protein context (NP_004437.2, residues 993-1013): QGGGLSSSGA[Gly1003Glu]EGQGPKKQTR

ClinVar aggregate classification (germline): Likely benign. Review status: criteria provided, single submitter (1 of 4 stars). 2 submissions from 2 submitters: Likely benign (1). 1 of the submissions does not count toward it. Last evaluated 2025-12-31.

Conditions:
EPRS1-related disorder. Also called: EPRS1-related condition.

Allele frequency attached by ClinVar (database versions not stated): gnomAD 0.00008; gnomAD exomes 0.00008; TOPMed 0.00008; ExAC 0.00034; 1000 Genomes Project 0.00060.
gnomAD v4.1: 128 of 1,613,742 alleles (0.0079%); highest among the groups gnomAD compares: East Asian, 0.27%; no homozygotes.

Submissions (2):

Labcorp Genetics (formerly Invitae), Labcorp
Classification: Likely benign. Last evaluated: 2025-12-31. Review status: criteria provided, single submitter. Criteria: Invitae Variant Classification Sherloc (09022015). Collection method: clinical testing. Allele origin: germline.

PreventionGenetics, part of Exact Sciences
Classification: Likely benign for EPRS1-related condition. Last evaluated: 2022-09-26. Review status: no assertion criteria provided. Collection method: clinical testing. Allele origin: germline. Not counted in ClinVar's aggregate classification.
Comment: This variant is classified as likely benign based on ACMG/AMP sequence variant interpretation guidelines (Richards et al. 2015 PMID: 25741868, with internal and published modifications).